The following is an entry in ClinVar:

NM_178554.6(KY):c.1090+107C>T

Genes: CEP63 (centrosomal protein 63; plus strand), KY (kyphoscoliosis peptidase; minus strand). Cytogenetic location: 3q22.2.
Variant type: single nucleotide variant.
Coding change: c.1090+107C>T on transcript NM_178554.6 (MANE Select); 107 bases into the intron after coding-DNA position 1090, C replaced by T.
Molecular consequence: intron variant. On other transcripts: synonymous variant (2).
Genome position (GRCh38, 1-based): chr3:134,608,542, G>A on the plus strand (C>T on the coding strand, the complement: KY is on the minus strand). VCF-style: chr3-134608542-G-A. GRCh37 (hg19) VCF-style: chr3-134327384-G-A.
Other names: c.1071C>T, p.Asp357= (NM_001350860.2); c.1197C>T, p.Asp399= (NM_001366277.2); c.1042+107C>T (NM_001350859.2); c.1027+107C>T (NM_001366276.1).
Identifiers: ClinVar variation 3039560 (VCV003039560.2), dbSNP rs752132028, ClinGen allele CA2629091.

ClinVar aggregate classification (germline): Likely benign (0 of 4 stars; one submission).

Conditions:
KY-related disorder. Also called: KY-related condition.

Allele frequency attached by ClinVar (database versions not stated): ExAC 0.00009; gnomAD 0.00010; TOPMed 0.00010.
gnomAD v4.1: 110 of 1,604,822 alleles (0.0069%); highest among the groups gnomAD compares: Middle Eastern, 0.033%; no homozygotes.

Submission:

PreventionGenetics, part of Exact Sciences
Classification: Likely benign for KY-related condition. Last evaluated: 2019-05-24. Review status: no assertion criteria provided. Collection method: clinical testing. Allele origin: germline.
Comment: This variant is classified as likely benign based on ACMG/AMP sequence variant interpretation guidelines (Richards et al. 2015 PMID: 25741868, with internal and published modifications).